The following is an entry in ClinVar:

NM_001374828.1(ARID1B):c.330G>T (p.Glu110Asp)

Genes: ARID1B (AT-rich interaction domain 1B; plus strand), LOC115308161 (uncharacterized LOC115308161; minus strand), LOC129997523 (ATAC-STARR-seq lymphoblastoid silent region 17710; plus strand). Cytogenetic location: 6q25.3.
Variant type: single nucleotide variant.
Coding change: c.330G>T on transcript NM_001374828.1 (MANE Select); coding-DNA position 330, G replaced by T.
Protein change: p.Glu110Asp; replaces glutamic acid 110 with aspartic acid.
Molecular consequence: missense variant.
Genome position (GRCh38, 1-based): chr6:156,778,010, G>T. VCF-style: chr6-156778010-G-T. GRCh37 (hg19) VCF-style: chr6-157099144-G-T.
Other names: c.81G>T, p.Glu27Asp (NM_001346813.1, NM_020732.3); c.330G>T, p.Glu110Asp (NM_001371656.1, NM_001374820.1, NM_017519.3); c.-94G>T (NM_175863.2); short protein forms E110D, E27D.
Identifiers: ClinVar variation 2041606 (VCV002041606.6), dbSNP rs1403994771, ClinGen allele CA366381101.

ClinVar aggregate classification (germline): Likely benign. Review status: criteria provided, multiple submitters, no conflicts (2 of 4 stars). 3 submissions from 3 submitters: Likely benign (3). Last evaluated 2025-01-06.

Conditions:
Inborn genetic diseases. Identifiers: MedGen C0950123, MeSH D030342.
ARID1B-Related Disorder. Identifiers: MedGen CN381337.

Allele frequency attached by ClinVar (database versions not stated): gnomAD 0.00002.
gnomAD v4.1: 28 of 1,533,184 alleles (0.0018%); highest among the groups gnomAD compares: Middle Eastern, 0.038%; no homozygotes.

Submissions (3):

PreventionGenetics, part of Exact Sciences
Classification: Likely benign for ARID1B-related condition. Last evaluated: 2025-01-06. Review status: criteria provided, single submitter. Criteria: ACMG Guidelines, 2015. Collection method: clinical testing. Allele origin: germline.
Comment: This variant is classified as likely benign based on ACMG/AMP sequence variant interpretation guidelines (Richards et al. 2015 PMID: 25741868, with internal and published modifications).

Labcorp Genetics (formerly Invitae), Labcorp
Classification: Likely benign. Last evaluated: 2024-12-05. Review status: criteria provided, single submitter. Criteria: Invitae Variant Classification Sherloc (09022015). Collection method: clinical testing. Allele origin: germline.

Ambry Genetics
Classification: Likely benign for Inborn genetic diseases. Last evaluated: 2024-11-20. Review status: criteria provided, single submitter. Criteria: Ambry Variant Classification Scheme 2023. Collection method: clinical testing. Allele origin: germline.